The following is an entry in ClinVar:

NM_000273.3(GPR143):c.659-1G>A

Gene: GPR143 (G protein-coupled receptor 143; minus strand). Cytogenetic location: Xp22.2.
Variant type: single nucleotide variant.
Coding change: c.659-1G>A on transcript NM_000273.3 (MANE Select); the canonical splice acceptor site of the intron before coding-DNA position 659, G replaced by A.
Molecular consequence: splice acceptor variant.
Genome position (GRCh38, 1-based): chrX:9,743,674, C>T on the plus strand (G>A on the coding strand, the complement: GPR143 is on the minus strand). VCF-style: chrX-9743674-C-T. GRCh37 (hg19) VCF-style: chrX-9711714-C-T.
Identifiers: ClinVar variation 2499118 (VCV002499118.28), dbSNP rs2518626922, ClinGen allele CA411997087.

ClinVar aggregate classification (germline): Pathogenic (1 of 4 stars; one submission).

Submission:

CeGaT Center for Human Genetics Tuebingen
Classification: Pathogenic. Last evaluated: 2024-04-01. Review status: criteria provided, single submitter. Criteria: CeGaT Center For Human Genetics Tuebingen Variant Classification Criteria Version 2. Collection method: clinical testing. Allele origin: germline. Affected: yes. Observed: 2 variant alleles.
Comment: GPR143: PVS1, PM2, PS4:Moderate